The following is an entry in ClinVar:

NM_000093.5(COL5A1):c.2816A>G (p.Asp939Gly)

Gene: COL5A1 (collagen type V alpha 1 chain; plus strand). Cytogenetic location: 9q34.3.
Variant type: single nucleotide variant.
Coding change: c.2816A>G on transcript NM_000093.5 (MANE Select); coding-DNA position 2816, A replaced by G.
Protein change: p.Asp939Gly; replaces aspartic acid 939 with glycine.
Molecular consequence: missense variant.
Genome position (GRCh38, 1-based): chr9:134,796,390, A>G. VCF-style: chr9-134796390-A-G. GRCh37 (hg19) VCF-style: chr9-137688236-A-G.
Other names: c.2816A>G, p.Asp939Gly (NM_001278074.1); short protein forms D939G.
Identifiers: ClinVar variation 4843400 (VCV004843400.1).

ClinVar aggregate classification (germline): Uncertain significance (1 of 4 stars; one submission).

Conditions:
Familial thoracic aortic aneurysm and aortic dissection (TAAD). Also called: Thoracic aortic aneurysms and dissections. Identifiers: Orphanet 91387, MedGen C4707243, MONDO:0019625.

gnomAD v4.1: 3 of 1,614,112 alleles (0.00019%); highest among the groups gnomAD compares: Non-Finnish European, 0.00025%; no homozygotes.

Submission:

Ambry Genetics
Classification: Uncertain significance for Familial thoracic aortic aneurysm and aortic dissection. Last evaluated: 2026-01-12. Review status: criteria provided, single submitter. Criteria: Ambry Variant Classification Scheme 2023. Collection method: clinical testing. Allele origin: germline.
Comment: The p.D939G variant (also known as c.2816A>G), located in coding exon 35 of the COL5A1 gene, results from an A to G substitution at nucleotide position 2816. The aspartic acid at codon 939 is replaced by glycine, an amino acid with similar properties. This amino acid position is conserved. In addition, this alteration is predicted to be tolerated by in silico analysis. Based on the available evidence, the clinical significance of this variant remains unclear.